The following is an entry in ClinVar:

ClinVar aggregate classification (germline): Likely benign (1 of 4 stars; one submission).

Allele frequency attached by ClinVar (database versions not stated): gnomAD exomes 0.00003; ExAC 0.00006.

Submission:

GeneDx
Classification: Likely benign. Last evaluated: 2016-02-17. Review status: criteria provided, single submitter. Criteria: GeneDx Variant Classification (06012015). Collection method: clinical testing. Allele origin: germline. Affected: yes.
Comment: This variant is considered likely benign or benign based on one or more of the following criteria: it is a conservative change, it occurs at a poorly conserved position in the protein, it is predicted to be benign by multiple in silico algorithms, and/or has population frequency not consistent with disease.

NM_023083.4(CAPN10):c.1776C>T (p.Pro592=)

Gene: CAPN10 (calpain 10; plus strand). Cytogenetic location: 2q37.3.
Variant type: single nucleotide variant.
Coding change: c.1776C>T on transcript NM_023083.4 (MANE Select); coding-DNA position 1776, C replaced by T.
Protein change: p.Pro592=; no amino-acid change (proline 592 retained).
Molecular consequence: synonymous variant.
Genome position (GRCh38, 1-based): chr2:240,597,920, C>T. VCF-style: chr2-240597920-C-T. GRCh37 (hg19) VCF-style: chr2-241537337-C-T.
Other names: c.1311C>T, p.Pro437= (NM_023085.4).
Identifiers: ClinVar variation 383190 (VCV000383190.1), dbSNP rs774748418, ClinGen allele CA2205975.
Genomic context (GRCh38, chr2:240,597,920, plus strand): 5'-CCTCAGTCTGAGCCTGCGCTTTCCTCAGGTCCCAGAGGGTGGAAGGAGCCAGGACGCACC[C>T]CCACTGCTGCTGCAGGAGCCGCTGCTGAGCTGCGTGCCACATCGCTACGCCCAGGAGGTG-3'
Protein context (NP_075571.2, residues 582-602): VPEGGRSQDA[Pro592=]PLLLQEPLLS